The following is an entry in ClinVar:

NM_001130987.2(DYSF):c.2668G>A (p.Glu890Lys)

Gene: DYSF (dysferlin; plus strand). Cytogenetic location: 2p13.2.
Variant type: single nucleotide variant.
Coding change: c.2668G>A on transcript NM_001130987.2 (MANE Select); coding-DNA position 2668, G replaced by A.
Protein change: p.Glu890Lys; replaces glutamic acid 890 with lysine.
Molecular consequence: missense variant.
Genome position (GRCh38, 1-based): chr2:71,568,053, G>A. VCF-style: chr2-71568053-G-A. GRCh37 (hg19) VCF-style: chr2-71795183-G-A.
Other names: c.2617G>A, p.Glu873Lys (NM_001130455.2, NM_001130983.2); c.2572G>A, p.Glu858Lys (NM_001130976.2, NM_001130977.2); c.2614G>A, p.Glu872Lys (NM_001130978.2, NM_003494.4); c.2707G>A, p.Glu903Lys (NM_001130979.2); c.2665G>A, p.Glu889Lys (NM_001130980.2, NM_001130981.2); c.2710G>A, p.Glu904Lys (NM_001130982.2); c.2575G>A, p.Glu859Lys (NM_001130984.2, NM_001130986.2); c.2668G>A, p.Glu890Lys (NM_001130985.2); short protein forms E890K, E872K, E858K, E889K, E873K, E903K, E859K, E904K.
Identifiers: ClinVar variation 284580 (VCV000284580.66), dbSNP rs200049922, ClinGen allele CA1706245.

ClinVar aggregate classification (germline): Conflicting classifications of pathogenicity. Review status: criteria provided, conflicting classifications (1 of 4 stars). 9 submissions from 9 submitters: Uncertain significance (7); Likely benign (1). 1 of the submissions does not count toward it. Last evaluated 2026-01-18.

Conditions:
Neuromuscular disease caused by qualitative or quantitative defects of dysferlin. Also called: Dysferlinopathy; Qualitative or quantitative defects of dysferlin. Identifiers: Orphanet 207073, MedGen C2931687, MONDO:0016145.
Autosomal recessive limb-girdle muscular dystrophy type 2B (LGMDR2). Also called: MUSCULAR DYSTROPHY, LIMB-GIRDLE, AUTOSOMAL RECESSIVE 2; Limb-girdle muscular dystrophy, type 2B; Limb-Girdle Muscular Dystrophy Type 2B (LGMD2B); MUSCULAR DYSTROPHY, LIMB-GIRDLE, TYPE 3. Identifiers: Orphanet 268, MedGen C1850889, MONDO:0009676, OMIM 253601.

Allele frequency attached by ClinVar (database versions not stated): gnomAD exomes 0.00007 and 0.00023; ESP Exome Variant Server 0.00008; ExAC 0.00016; TOPMed 0.00017; gnomAD 0.00024 and 0.00025.
gnomAD v4.1: 155 of 1,614,080 alleles (0.0096%); highest among the groups gnomAD compares: Admixed American, 0.073%; no homozygotes.

Submissions (9):

Labcorp Genetics (formerly Invitae), Labcorp
Classification: Likely benign for Neuromuscular disease caused by qualitative or quantitative defects of dysferlin. Last evaluated: 2026-01-18. Review status: criteria provided, single submitter. Criteria: Invitae Variant Classification Sherloc (09022015). Collection method: clinical testing. Allele origin: germline.

Blueprint Genetics
Classification: Uncertain significance. Last evaluated: 2024-04-02. Review status: criteria provided, single submitter. Criteria: ACMG Guidelines, 2015. Collection method: clinical testing. Allele origin: germline.

Revvity Omics, Revvity
Classification: Uncertain significance. Last evaluated: 2021-12-20. Review status: criteria provided, single submitter. Criteria: ACMG Guidelines, 2015. Collection method: clinical testing. Allele origin: germline.

GeneDx
Classification: Uncertain significance. Last evaluated: 2020-05-11. Review status: criteria provided, single submitter. Criteria: GeneDx Variant Classification Process June 2021. Collection method: clinical testing. Allele origin: germline. Affected: yes.
Comment: Identified as a single heterozygous variant in a patient with a clinical diagnosis of limb-girdle muscular dystrophy (Nallamilli et al., 2018); In silico analysis supports that this missense variant has a deleterious effect on protein structure/function; This variant is associated with the following publications: (PMID: 30564623)

Illumina Laboratory Services, Illumina
Classification: Uncertain significance for Qualitative or quantitative defects of dysferlin. Last evaluated: 2018-01-13. Review status: criteria provided, single submitter. Criteria: ICSL Variant Classification Criteria 13 December 2019. Collection method: clinical testing. Allele origin: germline.

CeGaT Center for Human Genetics Tuebingen
Classification: Uncertain significance. Last evaluated: 2016-07-01. Review status: criteria provided, single submitter. Criteria: CeGaT Center For Human Genetics Tuebingen Variant Classification Criteria Version 2. Collection method: clinical testing. Allele origin: germline. Affected: yes. Observed: 1 variant allele.

Eurofins Ntd Llc (ga)
Classification: Uncertain significance. Last evaluated: 2016-01-22. Review status: criteria provided, single submitter. Criteria: EGL Classification Definitions 2015. Collection method: clinical testing. Allele origin: germline. Observed: 4 variant alleles, 4 heterozygotes.

Breakthrough Genomics
Classification: Uncertain significance. Review status: criteria provided, single submitter. Criteria: ACMG Guidelines, 2015. Collection method: not provided. Allele origin: germline. Inheritance: Autosomal recessive inheritance. Affected: yes.

Natera, Inc.
Classification: Uncertain significance for Limb-girdle muscular dystrophy type 2B. Last evaluated: 2020-01-08. Review status: no assertion criteria provided. Collection method: clinical testing. Allele origin: germline. Not counted in ClinVar's aggregate classification.